The following is an entry in ClinVar:

NM_172364.5(CACNA2D4):c.3032G>A (p.Cys1011Tyr)

Gene: CACNA2D4 (calcium voltage-gated channel auxiliary subunit alpha2delta 4; minus strand). Cytogenetic location: 12p13.33.
Variant type: single nucleotide variant.
Coding change: c.3032G>A on transcript NM_172364.5 (MANE Select); coding-DNA position 3032, G replaced by A.
Protein change: p.Cys1011Tyr; replaces cysteine 1011 with tyrosine.
Molecular consequence: missense variant.
Genome position (GRCh38, 1-based): chr12:1,797,499, C>T on the plus strand (G>A on the coding strand, the complement: CACNA2D4 is on the minus strand). VCF-style: chr12-1797499-C-T. GRCh37 (hg19) VCF-style: chr12-1906665-C-T.
Other names: short protein forms C1011Y.
Identifiers: ClinVar variation 2128474 (VCV002128474.4), dbSNP rs1026503841, ClinGen allele CA231520433.

ClinVar aggregate classification (germline): Uncertain significance (1 of 4 stars; one submission).

Allele frequency attached by ClinVar (database versions not stated): gnomAD exomes below 0.00001; gnomAD 0.00001; TOPMed 0.00002.
gnomAD v4.1: 2 of 1,582,814 alleles (0.00013%); highest among the groups gnomAD compares: African/African-American, 0.0027%; no homozygotes.

Submission:

Labcorp Genetics (formerly Invitae), Labcorp
Classification: Uncertain significance. Last evaluated: 2022-04-20. Review status: criteria provided, single submitter. Criteria: Invitae Variant Classification Sherloc (09022015). Collection method: clinical testing. Allele origin: germline.
Comment: In summary, the available evidence is currently insufficient to determine the role of this variant in disease. Therefore, it has been classified as a Variant of Uncertain Significance. Algorithms developed to predict the effect of missense changes on protein structure and function are either unavailable or do not agree on the potential impact of this missense change (SIFT: "Deleterious"; PolyPhen-2: "Possibly Damaging"; Align-GVGD: "Class C0"). This variant has not been reported in the literature in individuals affected with CACNA2D4-related conditions. This variant is not present in population databases (gnomAD no frequency). This sequence change replaces cysteine, which is neutral and slightly polar, with tyrosine, which is neutral and polar, at codon 1011 of the CACNA2D4 protein (p.Cys1011Tyr).